The following is an entry in ClinVar:

ClinVar aggregate classification (germline): Conflicting classifications of pathogenicity. Review status: criteria provided, conflicting classifications (1 of 4 stars). 3 submissions from 3 submitters: Uncertain significance (2); Likely benign (1). Last evaluated 2023-10-14.

Conditions:
Intellectual developmental disorder, X-linked, syndromic, Stocco dos Santos type. Also called: STOCCO DOS SANTOS X-LINKED MENTAL RETARDATION SYNDROME; Stocco dos Santos syndrome; X-linked intellectual disability, Stocco dos Santos type. Identifiers: Orphanet 85288, MedGen C1845530, MONDO:0010325, OMIM 300434.

Allele frequency attached by ClinVar (database versions not stated): gnomAD 0.00008 and 0.00010; ExAC 0.00009; TOPMed 0.00004; ESP Exome Variant Server 0.00009; gnomAD exomes 0.00009 and 0.00010.
gnomAD v4.1: 101 of 1,209,874 alleles (0.0083%); highest among the groups gnomAD compares: Non-Finnish European, 0.0074%; no homozygotes.

Submissions (3):

Ambry Genetics
Classification: Uncertain significance. Last evaluated: 2023-10-14. Review status: criteria provided, single submitter. Criteria: Ambry Variant Classification Scheme 2023. Collection method: clinical testing. Allele origin: germline.

Centre for Mendelian Genomics, University Medical Centre Ljubljana
Classification: Likely benign for Intellectual developmental disorder, X-linked, syndromic, Stocco dos Santos type. Last evaluated: 2019-10-03. Review status: criteria provided, single submitter. Criteria: ACMG Guidelines, 2015. Collection method: clinical testing. Allele origin: unknown. Affected: yes.
Comment: This variant was classified as: Likely benign. The following ACMG criteria were applied in classifying this variant: BS2,BP4.

CeGaT Center for Human Genetics Tuebingen
Classification: Uncertain significance. Last evaluated: 2017-11-01. Review status: criteria provided, single submitter. Criteria: CeGaT Center For Human Genetics Tuebingen Variant Classification Criteria Version 2. Collection method: clinical testing. Allele origin: germline. Affected: yes. Observed: 1 variant allele.

NM_020717.5(SHROOM4):c.3104A>C (p.Glu1035Ala)

Gene: SHROOM4 (shroom family member 4; minus strand). Cytogenetic location: Xp11.22.
Variant type: single nucleotide variant.
Coding change: c.3104A>C on transcript NM_020717.5 (MANE Select); coding-DNA position 3104, A replaced by C.
Protein change: p.Glu1035Ala; replaces glutamic acid 1035 with alanine.
Molecular consequence: missense variant. On other transcripts: non-coding transcript variant (4).
Genome position (GRCh38, 1-based): chrX:50,608,038, T>G on the plus strand (A>C on the coding strand, the complement: SHROOM4 is on the minus strand). VCF-style: chrX-50608038-T-G. GRCh37 (hg19) VCF-style: chrX-50351038-T-G.
Other names: short protein forms E1035A.
Identifiers: ClinVar variation 425499 (VCV000425499.47), dbSNP rs201467037, ClinGen allele CA10416024.